The following is an entry in ClinVar:

NM_005120.3(MED12):c.6352CAGCAACAG[3] (p.Gln2121_Gln2123dup)

Gene: MED12 (mediator complex subunit 12; plus strand). Cytogenetic location: Xq13.1.
Variant type: Microsatellite.
Coding change: c.6352CAGCAACAG[3] on transcript NM_005120.3 (MANE Select); three copies in a row of the 9-base unit CAGCAACAG starting at c.6352; the reference has two copies in a row; one copy, 9 bases duplicated.
Protein change: p.Gln2121_Gln2123dup.
Molecular consequence: inframe insertion.
Genome position (GRCh38, 1-based): chrX:71,141,323-71,141,331, CAGCAACAG duplicated; duplicating any 9 consecutive bases within chrX:71,141,311-71,141,331 gives the same sequence; the position shown is the placement nearest the transcript's 3' end. VCF-style (leftmost placement, unchanged base first): chrX-71141310-C-CCAGCAGCAA. GRCh37 (hg19) VCF-style: chrX-70361160-C-CCAGCAGCAA.
Other names: c.6361_6369dupCAGCAACAG (NM_005120.2).
Identifiers: ClinVar variation 941518 (VCV000941518.11), dbSNP rs1433422316, ClinGen allele CA641958677.

ClinVar aggregate classification (germline): Conflicting classifications of pathogenicity. Review status: criteria provided, conflicting classifications (1 of 4 stars). 2 submissions from 2 submitters: Uncertain significance (1); Likely benign (1). Last evaluated 2025-12-15.

Conditions:
FG syndrome (FGS). Identifiers: MedGen C0220769, MONDO:0002010.
Familial thoracic aortic aneurysm and aortic dissection (TAAD). Also called: Thoracic aortic aneurysms and dissections. Identifiers: Orphanet 91387, MedGen C4707243, MONDO:0019625.

Submissions (2):

Labcorp Genetics (formerly Invitae), Labcorp
Classification: Uncertain significance for FG syndrome. Last evaluated: 2025-12-15. Review status: criteria provided, single submitter. Criteria: Invitae Variant Classification Sherloc (09022015). Collection method: clinical testing. Allele origin: germline.
Comment: This variant, c.6361_6369dup, results in the insertion of 3 amino acid(s) of the MED12 protein (p.Gln2121_Gln2123dup), but otherwise preserves the integrity of the reading frame. The frequency data for this variant in the population databases is considered unreliable, as metrics indicate poor data quality at this position in the gnomAD database. This variant has not been reported in the literature in individuals affected with MED12-related conditions. ClinVar contains an entry for this variant (Variation ID: 941518). Experimental studies and prediction algorithms are not available or were not evaluated, and the functional significance of this variant is currently unknown. In summary, the available evidence is currently insufficient to determine the role of this variant in disease. Therefore, it has been classified as a Variant of Uncertain Significance.

Ambry Genetics
Classification: Likely benign for Familial thoracic aortic aneurysm and aortic dissection. Last evaluated: 2018-08-08. Review status: criteria provided, single submitter. Criteria: Ambry Variant Classification Scheme 2023. Collection method: clinical testing. Allele origin: germline.